The following is an entry in ClinVar:

ClinVar aggregate classification (germline): Benign/Likely benign. Review status: criteria provided, multiple submitters, no conflicts (2 of 4 stars). 4 submissions from 4 submitters: Benign (2); Likely benign (2). Last evaluated 2025-10-08.

Conditions:
Retinal dystrophy. Also called: Inherited retinal dystrophy. Identifiers: Orphanet 71862, MedGen C0854723, MeSH D058499, MONDO:0019118, HP:0000556.
TOPORS-related disorder. Also called: TOPORS-related condition.

Allele frequency attached by ClinVar (database versions not stated): gnomAD exomes 0.00003; gnomAD 0.00004; ExAC 0.00012; TOPMed 0.00013; 1000 Genomes Project 30x 0.00016; 1000 Genomes Project 0.00020.

Submissions (4):

Labcorp Genetics (formerly Invitae), Labcorp
Classification: Benign. Last evaluated: 2025-10-08. Review status: criteria provided, single submitter. Criteria: Invitae Variant Classification Sherloc (09022015). Collection method: clinical testing. Allele origin: germline.

PreventionGenetics, part of Exact Sciences
Classification: Likely benign for TOPORS-related condition. Last evaluated: 2025-05-21. Review status: criteria provided, single submitter. Criteria: ACMG Guidelines, 2015. Collection method: clinical testing. Allele origin: germline.
Comment: This variant is classified as likely benign based on ACMG/AMP sequence variant interpretation guidelines (Richards et al. 2015 PMID: 25741868, with internal and published modifications).

Blueprint Genetics
Classification: Likely benign. Last evaluated: 2024-11-19. Review status: criteria provided, single submitter. Criteria: ACMG Guidelines, 2015. Collection method: clinical testing. Allele origin: germline.

Dept Of Ophthalmology, Nagoya University
Classification: Benign for Retinal dystrophy. Last evaluated: 2023-10-01. Review status: criteria provided, single submitter. Criteria: Submitter's publication. Collection method: research. Allele origin: germline. Affected: yes.

NM_005802.5(TOPORS):c.1902T>C (p.Ser634=)

Gene: TOPORS (TOP1 binding arginine/serine rich protein, E3 ubiquitin ligase; minus strand). Cytogenetic location: 9p21.1.
Variant type: single nucleotide variant.
Coding change: c.1902T>C on transcript NM_005802.5 (MANE Select); coding-DNA position 1902, T replaced by C.
Protein change: p.Ser634=; no amino-acid change (serine 634 retained).
Molecular consequence: synonymous variant.
Genome position (GRCh38, 1-based): chr9:32,542,623, A>G on the plus strand (T>C on the coding strand, the complement: TOPORS is on the minus strand). VCF-style: chr9-32542623-A-G. GRCh37 (hg19) VCF-style: chr9-32542621-A-G.
Other names: c.1902T>C (NM_005802.4); c.1707T>C, p.Ser569= (NM_001195622.2).
Identifiers: ClinVar variation 2884787 (VCV002884787.6), dbSNP rs532892992, ClinGen allele CA5020450.